The following is an entry in ClinVar:

ClinVar aggregate classification (germline): Uncertain significance (1 of 4 stars; one submission).

Conditions:
Autosomal dominant nonsyndromic hearing loss 70. Also called: Deafness, autosomal dominant 70. Identifiers: Orphanet 90635, MedGen C4310775, MONDO:0014853, OMIM 616968.

Allele frequency attached by ClinVar (database versions not stated): TOPMed below 0.00001; ExAC 0.00002; gnomAD exomes 0.00002.
gnomAD v4.1: 33 of 1,614,014 alleles (0.002%); highest among the groups gnomAD compares: South Asian, 0.029%; 1 homozygote.

Submission:

Baylor Genetics
Classification: Uncertain significance for Autosomal dominant nonsyndromic hearing loss 70. Last evaluated: 2018-03-01. Review status: criteria provided, single submitter. Criteria: ACMG Guidelines, 2015. Collection method: clinical testing. Allele origin: maternal. Affected: yes.
Comment: This variant was determined to be of uncertain significance according to ACMG Guidelines, 2015 [PMID:25741868].

NM_004526.4(MCM2):c.1447C>T (p.Pro483Ser)

Gene: MCM2 (minichromosome maintenance complex component 2; plus strand). Cytogenetic location: 3q21.3.
Variant type: single nucleotide variant.
Coding change: c.1447C>T on transcript NM_004526.4 (MANE Select); coding-DNA position 1447, C replaced by T.
Protein change: p.Pro483Ser; replaces proline 483 with serine.
Molecular consequence: missense variant. On other transcripts: non-coding transcript variant (1).
Genome position (GRCh38, 1-based): chr3:127,615,880, C>T. VCF-style: chr3-127615880-C-T. GRCh37 (hg19) VCF-style: chr3-127334723-C-T.
Other names: short protein forms P483S.
Identifiers: ClinVar variation 1032223 (VCV001032223.1), dbSNP rs767616299, ClinGen allele CA2595913.